The following is an entry in ClinVar:

ClinVar aggregate classification (germline): Conflicting classifications of pathogenicity. Review status: criteria provided, conflicting classifications (1 of 4 stars). 2 submissions from 2 submitters: Uncertain significance (1); Benign (1). Last evaluated 2025-12-22.

Conditions:
X-linked complicated corpus callosum dysgenesis. Also called: X-Linked Complicated Corpus Callosum Agenesis. Identifiers: Orphanet 1497, MedGen C1839909, MONDO:0010569, OMIM 304100.
Spastic paraplegia. Identifiers: MedGen C0037772, HP:0001258.

Allele frequency attached by ClinVar (database versions not stated): gnomAD 0.00001; gnomAD exomes 0.00001 and 0.00002; TOPMed 0.00002.
gnomAD v4.1: 11 of 1,209,307 alleles (0.00091%); highest among the groups gnomAD compares: African/African-American, 0.0035%; no homozygotes.

Submissions (2):

Labcorp Genetics (formerly Invitae), Labcorp
Classification: Benign for Spastic paraplegia. Last evaluated: 2025-12-22. Review status: criteria provided, single submitter. Criteria: Invitae Variant Classification Sherloc (09022015). Collection method: clinical testing. Allele origin: germline.

Lupski Lab, Baylor-Hopkins CMG, Baylor College of Medicine
Classification: Uncertain significance for X-linked complicated corpus callosum dysgenesis. Last evaluated: 2017-09-01. Review status: criteria provided, single submitter. Criteria: Wiszniewski et al. (Eur J Hum Genet. 2018). Collection method: research. Allele origin: inherited, unknown. Inheritance: X-linked inheritance. Affected: yes. Observed: 2 variant alleles.

NM_001278116.2(L1CAM):c.3163G>A (p.Gly1055Arg)

Gene: L1CAM (L1 cell adhesion molecule; minus strand). Cytogenetic location: Xq28.
Variant type: single nucleotide variant.
Coding change: c.3163G>A on transcript NM_001278116.2 (MANE Select); coding-DNA position 3163, G replaced by A.
Protein change: p.Gly1055Arg; replaces glycine 1055 with arginine.
Molecular consequence: missense variant.
Genome position (GRCh38, 1-based): chrX:153,864,588, C>T on the plus strand (G>A on the coding strand, the complement: L1CAM is on the minus strand). VCF-style: chrX-153864588-C-T. GRCh37 (hg19) VCF-style: chrX-153130043-C-T.
Other names: c.3163G>A, p.Gly1055Arg (NM_000425.5, NM_024003.3); c.3148G>A, p.Gly1050Arg (NM_001143963.2); short protein forms G1055R, G1050R.
Identifiers: ClinVar variation 438595 (VCV000438595.5), dbSNP rs1484399991, ClinGen allele CA415111544.